The following is an entry in ClinVar:

ClinVar aggregate classification (germline): Uncertain significance (1 of 4 stars; one submission).

Submission:

GeneDx
Classification: Uncertain significance. Last evaluated: 2023-04-09. Review status: criteria provided, single submitter. Criteria: GeneDx Variant Classification Process June 2021. Collection method: clinical testing. Allele origin: germline. Affected: yes.
Comment: Not observed at significant frequency in large population cohorts (gnomAD); In silico analysis supports that this missense variant does not alter protein structure/function; Has not been previously published as pathogenic or benign to our knowledge

NM_006445.4(PRPF8):c.5974G>A (p.Gly1992Ser)

Gene: PRPF8 (pre-mRNA processing factor 8; minus strand). Cytogenetic location: 17p13.3.
Variant type: single nucleotide variant.
Coding change: c.5974G>A on transcript NM_006445.4 (MANE Select); coding-DNA position 5974, G replaced by A.
Protein change: p.Gly1992Ser; replaces glycine 1992 with serine.
Molecular consequence: missense variant.
Genome position (GRCh38, 1-based): chr17:1,655,363, C>T on the plus strand (G>A on the coding strand, the complement: PRPF8 is on the minus strand). VCF-style: chr17-1655363-C-T. GRCh37 (hg19) VCF-style: chr17-1558657-C-T.
Other names: short protein forms G1992S.
Identifiers: ClinVar variation 2662570 (VCV002662570.1), dbSNP rs2543721009, ClinGen allele CA397568976.
Genomic context (GRCh38, chr17:1,655,363, plus strand): 5'-AAACCGTATATAGACCTCCTGTCTGTGTCCCCACCAGCACTGCTCACTTGTTTTTCTTGC[C>T]GTAGTCAGCCAAGATCAGATCCTTGAGCTGCACCTCGACCTTGATCCATTCTTCGTCAGT-3'
Protein context (NP_006436.3, residues 1982-2002): QLKDLILADY[Gly1992Ser]KKNNVNVASL